The following is an entry in ClinVar:

NM_000069.3(CACNA1S):c.1669C>T (p.Arg557Cys)

Gene: CACNA1S (calcium voltage-gated channel subunit alpha1 S; minus strand). Cytogenetic location: 1q32.1.
Variant type: single nucleotide variant.
Coding change: c.1669C>T on transcript NM_000069.3 (MANE Select); coding-DNA position 1669, C replaced by T.
Protein change: p.Arg557Cys; replaces arginine 557 with cysteine.
Molecular consequence: missense variant.
Genome position (GRCh38, 1-based): chr1:201,077,078, G>A on the plus strand (C>T on the coding strand, the complement: CACNA1S is on the minus strand). VCF-style: chr1-201077078-G-A. GRCh37 (hg19) VCF-style: chr1-201046206-G-A.
Other names: short protein forms R557C.
Identifiers: ClinVar variation 853787 (VCV000853787.13), dbSNP rs756612471, ClinGen allele CA078509.

ClinVar aggregate classification (germline): Uncertain significance. Review status: criteria provided, multiple submitters, no conflicts (2 of 4 stars). 9 submissions from 6 submitters: Uncertain significance (9). Last evaluated 2026-08-06.

Conditions:
Malignant hyperthermia, susceptibility to, 5 (MHS5). Also called: CACNA1S-Related Malignant Hyperthermia Susceptibility. Identifiers: Orphanet 423, MedGen C1866077, MONDO:0011163, OMIM 601887.
Hypokalemic periodic paralysis, type 1. Also called: Hypokalemic Periodic Paralysis Type 1 (AD); HypoPP. Identifiers: Orphanet 681, MedGen C3714580, MONDO:0042979, OMIM 170400.
Thyrotoxic periodic paralysis, susceptibility to, 1 (TTPP1). Identifiers: Orphanet 79102, MedGen C2749982, MONDO:0008570, OMIM 188580.
Congenital myopathy 18. Also called: DIHYDROPYRIDINE RECEPTOR CONGENITAL MYOPATHY; DHPR CONGENITAL MYOPATHY; Myopathy, congenital, due to dihydropyridine receptor defect. Identifiers: MedGen C5830283, MONDO:0859514, OMIM 620246.

Allele frequency attached by ClinVar (database versions not stated): gnomAD 0.00011 and 0.00010; TOPMed 0.00010; ExAC 0.00004.
gnomAD v4.1: 140 of 1,614,190 alleles (0.0087%); highest among the groups gnomAD compares: Middle Eastern, 0.38%; 2 homozygotes.

Submissions (9):

OLLIN Analises Genomicas, OLLIN
Classification: Uncertain significance for Thyrotoxic periodic paralysis, susceptibility to, 1. Last evaluated: 2026-08-06. Review status: criteria provided, single submitter. Criteria: ACMG Guidelines 2015 PMID 25741868. Collection method: clinical testing. Allele origin: germline. Inheritance: Autosomal dominant inheritance.
Comment: This missense variant, located in exon 12 (of 44), has been reported in ClinVar (accession VCV000853787.11) and in gnomAD with an allele frequency of 0.0087%. However, to our knowledge, it has not been reported in the scientific literature. In silico analysis predicts that this variant has a deleterious effect. According to the currently available evidence, this variant has been classified as uncertain significance (PP3_M).

Labcorp Genetics (formerly Invitae), Labcorp
Classification: Uncertain significance for Hypokalemic periodic paralysis, type 1; Malignant hyperthermia, susceptibility to, 5. Last evaluated: 2025-10-24. Review status: criteria provided, single submitter. Criteria: Invitae Variant Classification Sherloc (09022015). Collection method: clinical testing. Allele origin: germline.
Comment: This sequence change replaces arginine, which is basic and polar, with cysteine, which is neutral and slightly polar, at codon 557 of the CACNA1S protein (p.Arg557Cys). This variant is present in population databases (rs756612471, gnomAD 0.01%). This variant has not been reported in the literature in individuals affected with CACNA1S-related conditions. ClinVar contains an entry for this variant (Variation ID: 853787). Invitae Evidence Modeling of protein sequence and biophysical properties (such as structural, functional, and spatial information, amino acid conservation, physicochemical variation, residue mobility, and thermodynamic stability) has been performed for this missense variant. However, the output from this modeling did not meet the statistical confidence thresholds required to predict the impact of this variant on CACNA1S protein function. In summary, the available evidence is currently insufficient to determine the role of this variant in disease. Therefore, it has been classified as a Variant of Uncertain Significance.

GeneDx
Classification: Uncertain significance. Last evaluated: 2025-01-24. Review status: criteria provided, single submitter. Criteria: GeneDx Variant Classification Process June 2021. Collection method: clinical testing. Allele origin: germline.
Comment: Reported in a patient with paramyotonia and periodic paralysis in published literature; this variant is also reported to segregate in patient's similarly affected mother but details are limited (Razzino E et al. (2021) JNS. Volume 429 (SUPPLEMENT 118395):139-140); In silico analysis supports that this missense variant has a deleterious effect on protein structure/function; This variant is associated with the following publications: (PMID: Razzino_2021_abstract)

All of Us Research Program, National Institutes of Health
Classification: Uncertain significance for Malignant hyperthermia, susceptibility to, 5. Last evaluated: 2024-07-10. Review status: criteria provided, single submitter. Criteria: ACMG Guidelines, 2015. Collection method: clinical testing. Allele origin: germline. Inheritance: Autosomal dominant inheritance. Observed: 26 variant alleles, 26 heterozygotes.
Comment: This missense variant replaces arginine with cysteine at codon 557 of the CACNA1S protein. Computational prediction suggests that this variant may have deleterious impact on protein structure and function (internally defined REVEL score threshold >= 0.7, PMID: 27666373). To our knowledge, functional studies have not been reported for this variant. This variant has not been reported in individuals affected with CACNA1S-related disorders in the literature. This variant has been identified in 16/282846 chromosomes in the general population by the Genome Aggregation Database (gnomAD). The available evidence is insufficient to determine the role of this variant in disease conclusively. Therefore, this variant is classified as a Variant of Uncertain Significance.

This study involves interpretation of variants in research participants for the purpose of population health screening. Participant phenotype was not available at the time of variant classification. Additional details can be found in publication PMID: 35346344, PMCID: PMC8962531

Color Diagnostics, LLC DBA Color Health
Classification: Uncertain significance for Malignant hyperthermia, susceptibility to, 5. Last evaluated: 2024-02-05. Review status: criteria provided, single submitter. Criteria: ACMG Guidelines, 2015. Collection method: clinical testing. Allele origin: germline.
Comment: This missense variant replaces arginine with cysteine at codon 557 of the CACNA1S protein. Computational prediction suggests that this variant may have deleterious impact on protein structure and function. To our knowledge, functional studies have not been reported for this variant. This variant has not been reported in individuals affected with CACNA1S-related disorders in the literature. This variant has been identified in 16/282846 chromosomes in the general population by the Genome Aggregation Database (gnomAD). The available evidence is insufficient to determine the role of this variant in disease conclusively. Therefore, this variant is classified as a Variant of Uncertain Significance.

Genome-Nilou Lab
Classification: Uncertain significance for Malignant hyperthermia, susceptibility to, 5. Last evaluated: 2023-04-11. Review status: criteria provided, single submitter. Criteria: ACMG Guidelines, 2015. Collection method: clinical testing. Allele origin: germline. Affected: no.

Genome-Nilou Lab
Classification: Uncertain significance for Thyrotoxic periodic paralysis, susceptibility to, 1. Last evaluated: 2023-04-11. Review status: criteria provided, single submitter. Criteria: ACMG Guidelines, 2015. Collection method: clinical testing. Allele origin: germline. Affected: no.

Genome-Nilou Lab
Classification: Uncertain significance for Congenital myopathy 18. Last evaluated: 2023-04-11. Review status: criteria provided, single submitter. Criteria: ACMG Guidelines, 2015. Collection method: clinical testing. Allele origin: germline. Affected: no.

Genome-Nilou Lab
Classification: Uncertain significance for Hypokalemic periodic paralysis, type 1. Last evaluated: 2023-04-11. Review status: criteria provided, single submitter. Criteria: ACMG Guidelines, 2015. Collection method: clinical testing. Allele origin: germline. Affected: no.